The following is an entry in ClinVar:

ClinVar aggregate classification (germline): Uncertain significance. Review status: criteria provided, multiple submitters, no conflicts (2 of 4 stars). 2 submissions from 2 submitters: Uncertain significance (2). Last evaluated 2022-09-13.

Conditions:
Inborn genetic diseases. Identifiers: MedGen C0950123, MeSH D030342.

Submissions (2):

Labcorp Genetics (formerly Invitae), Labcorp
Classification: Uncertain significance. Last evaluated: 2022-09-13. Review status: criteria provided, single submitter. Criteria: Invitae Variant Classification Sherloc (09022015). Collection method: clinical testing. Allele origin: germline.
Comment: This variant, c.17_25dup, results in the insertion of 3 amino acid(s) of the PCDH12 protein (p.Gln6_Leu8dup), but otherwise preserves the integrity of the reading frame. This variant is present in population databases (rs750356729, gnomAD 0.02%). This variant has not been reported in the literature in individuals affected with PCDH12-related conditions. Experimental studies and prediction algorithms are not available or were not evaluated, and the functional significance of this variant is currently unknown. In summary, the available evidence is currently insufficient to determine the role of this variant in disease. Therefore, it has been classified as a Variant of Uncertain Significance.

Ambry Genetics
Classification: Uncertain significance for Inborn genetic diseases. Last evaluated: 2021-10-27. Review status: criteria provided, single submitter. Criteria: Ambry Variant Classification Scheme 2023. Collection method: clinical testing. Allele origin: germline.
Comment: The c.17_25dupAACTTCTGC (p.Q6_L8dup) alteration is located in exon 1 (coding exon 1) of the PCDH12 gene. The alteration consists of an in-frame duplication of 9 nucleotides from position 17 to 25, resulting in the duplication of 3 residues. Based on insufficient or conflicting evidence, the clinical significance of this alteration remains unclear.

NM_016580.4(PCDH12):c.8AACTTCTGC[3] (p.3QLL[3])

Genes: PCDH12 (protocadherin 12; minus strand), RNF14 (ring finger protein 14; plus strand). Cytogenetic location: 5q31.3.
Variant type: Microsatellite.
Coding change: c.8AACTTCTGC[3] on transcript NM_016580.4 (MANE Select); three copies in a row of the 9-base unit AACTTCTGC starting at c.8; the reference has two copies in a row; one copy, 9 bases duplicated.
Protein change: p.3QLL[3].
Molecular consequence: inframe insertion.
Genome position (GRCh38, 1-based): chr5:141,957,827-141,957,835, GCAGAAGTT duplicated on the plus strand (AACTTCTGC on the coding strand, the reverse complement: PCDH12 is on the minus strand); duplicating any 9 consecutive bases within chr5:141,957,827-141,957,847 gives the same sequence; the position shown is the placement nearest the transcript's 3' end. VCF-style (leftmost placement, unchanged base first): chr5-141957826-A-AGCAGAAGTT. GRCh37 (hg19) VCF-style: chr5-141337391-A-AGCAGAAGTT.
Other names: c.17_25dupAACTTCTGC (NM_016580.2).
Identifiers: ClinVar variation 1484923 (VCV001484923.6), dbSNP rs750356729, ClinGen allele CA3484649.